The following is an entry in ClinVar:

NM_001257180.2(SLC20A2):c.1223C>T (p.Ser408Leu)

Gene: SLC20A2 (solute carrier family 20 member 2; minus strand). Cytogenetic location: 8p11.21.
Variant type: single nucleotide variant.
Coding change: c.1223C>T on transcript NM_001257180.2 (MANE Select); coding-DNA position 1223, C replaced by T.
Protein change: p.Ser408Leu; replaces serine 408 with leucine.
Molecular consequence: missense variant.
Genome position (GRCh38, 1-based): chr8:42,437,289, G>A on the plus strand (C>T on the coding strand, the complement: SLC20A2 is on the minus strand). VCF-style: chr8-42437289-G-A. GRCh37 (hg19) VCF-style: chr8-42294807-G-A.
Other names: c.1223C>T, p.Ser408Leu (NM_001257181.2, NM_006749.5); short protein forms S408L.
Identifiers: ClinVar variation 2373799 (VCV002373799.4), dbSNP rs747841902, ClinGen allele CA4733361.

ClinVar aggregate classification (germline): Uncertain significance. Review status: criteria provided, multiple submitters, no conflicts (2 of 4 stars). 2 submissions from 2 submitters: Uncertain significance (2). Last evaluated 2024-09-19.

Conditions:
Inborn genetic diseases. Identifiers: MedGen C0950123, MeSH D030342.

Allele frequency attached by ClinVar (database versions not stated): ExAC 0.00001; gnomAD 0.00001; TOPMed 0.00002.
gnomAD v4.1: 2 of 1,614,036 alleles (0.00012%); highest among the groups gnomAD compares: Admixed American, 0.0017%; no homozygotes.

Submissions (2):

Labcorp Genetics (formerly Invitae), Labcorp
Classification: Uncertain significance. Last evaluated: 2024-09-19. Review status: criteria provided, single submitter. Criteria: Invitae Variant Classification Sherloc (09022015). Collection method: clinical testing. Allele origin: germline.
Comment: This sequence change replaces serine, which is neutral and polar, with leucine, which is neutral and non-polar, at codon 408 of the SLC20A2 protein (p.Ser408Leu). This variant is present in population databases (rs747841902, gnomAD 0.003%). This variant has not been reported in the literature in individuals affected with SLC20A2-related conditions. ClinVar contains an entry for this variant (Variation ID: 2373799). Invitae Evidence Modeling of protein sequence and biophysical properties (such as structural, functional, and spatial information, amino acid conservation, physicochemical variation, residue mobility, and thermodynamic stability) indicates that this missense variant is not expected to disrupt SLC20A2 protein function with a negative predictive value of 80%. In summary, the available evidence is currently insufficient to determine the role of this variant in disease. Therefore, it has been classified as a Variant of Uncertain Significance.

Ambry Genetics
Classification: Uncertain significance for Inborn genetic diseases. Last evaluated: 2022-10-03. Review status: criteria provided, single submitter. Criteria: Ambry Variant Classification Scheme 2023. Collection method: clinical testing. Allele origin: germline.